The following is an entry in ClinVar:

ClinVar aggregate classification (germline): Benign/Likely benign. Review status: criteria provided, multiple submitters, no conflicts (2 of 4 stars). 4 submissions from 4 submitters: Benign (2); Likely benign (1). 1 of the submissions does not count toward it. Last evaluated 2025-07-03.

Conditions:
AKAP9-related disorder. Also called: AKAP9-related condition.
Cardiovascular phenotype. Identifiers: MedGen CN230736.
Long QT syndrome (LQTS). Identifiers: MedGen C0023976, MeSH D008133, MONDO:0002442. Disease mechanism: loss of function. Inheritance: Various modes of inheritance.
Long QT syndrome 11 (LQT11). Identifiers: Orphanet 101016, Orphanet 768, MedGen C2678483, MONDO:0012738, OMIM 611820.

Allele frequency attached by ClinVar (database versions not stated): gnomAD 0.00005 and 0.00006; ExAC 0.00017; TOPMed 0.00018; gnomAD exomes 0.00026.
gnomAD v4.1: 81 of 1,613,960 alleles (0.005%); highest among the groups gnomAD compares: Admixed American, 0.13%; no homozygotes.

Submissions (4):

Labcorp Genetics (formerly Invitae), Labcorp
Classification: Benign for Long QT syndrome. Last evaluated: 2025-07-03. Review status: criteria provided, single submitter. Criteria: Invitae Variant Classification Sherloc (09022015). Collection method: clinical testing. Allele origin: germline.

Genome-Nilou Lab
Classification: Benign for Long QT syndrome 11. Last evaluated: 2021-12-05. Review status: criteria provided, single submitter. Criteria: ACMG Guidelines, 2015. Collection method: clinical testing. Allele origin: germline. Affected: no.

Ambry Genetics
Classification: Likely benign for Cardiovascular phenotype. Last evaluated: 2015-10-22. Review status: criteria provided, single submitter. Criteria: Ambry Variant Classification Scheme 2023. Collection method: clinical testing. Allele origin: germline.

PreventionGenetics, part of Exact Sciences
Classification: Likely benign for AKAP9-related condition. Last evaluated: 2019-06-13. Review status: no assertion criteria provided. Collection method: clinical testing. Allele origin: germline. Not counted in ClinVar's aggregate classification.
Comment: This variant is classified as likely benign based on ACMG/AMP sequence variant interpretation guidelines (Richards et al. 2015 PMID: 25741868, with internal and published modifications).

NM_005751.5(AKAP9):c.7221A>G (p.Glu2407=)

Gene: AKAP9 (A-kinase anchoring protein 9; plus strand). Cytogenetic location: 7q21.2.
Variant type: single nucleotide variant.
Coding change: c.7221A>G on transcript NM_005751.5 (MANE Select); coding-DNA position 7221, A replaced by G.
Protein change: p.Glu2407=; no amino-acid change (glutamic acid 2407 retained).
Molecular consequence: synonymous variant.
Genome position (GRCh38, 1-based): chr7:92,079,354, A>G. VCF-style: chr7-92079354-A-G. GRCh37 (hg19) VCF-style: chr7-91708668-A-G.
Other names: c.1866A>G, p.Glu622= (NM_001379277.1); c.7197A>G, p.Glu2399= (NM_147185.3).
Identifiers: ClinVar variation 457118 (VCV000457118.17), dbSNP rs779280501, ClinGen allele CA4337253.